The following is an entry in ClinVar:

NM_001374736.1(DST):c.3292A>G (p.Lys1098Glu)

Gene: DST (dystonin; minus strand). Cytogenetic location: 6p12.1.
Variant type: single nucleotide variant.
Coding change: c.3292A>G on transcript NM_001374736.1 (MANE Select); coding-DNA position 3292, A replaced by G.
Protein change: p.Lys1098Glu; replaces lysine 1098 with glutamic acid.
Molecular consequence: missense variant.
Genome position (GRCh38, 1-based): chr6:56,634,848, T>C on the plus strand (A>G on the coding strand, the complement: DST is on the minus strand). VCF-style: chr6-56634848-T-C. GRCh37 (hg19) VCF-style: chr6-56499646-T-C.
Other names: c.3193A>G, p.Lys1065Glu (NM_001144769.5); c.2779A>G, p.Lys927Glu (NM_001144770.2); c.3292A>G, p.Lys1098Glu (NM_001374722.1); c.2659A>G, p.Lys887Glu (NM_001374729.1, NM_001374730.1, NM_001386100.1 and 1 more transcripts); c.3319A>G, p.Lys1107Glu (NM_001374734.1); c.1681A>G, p.Lys561Glu (NM_001723.7, NM_015548.5); short protein forms K1065E, K1098E, K927E, K1107E, K561E, K887E.
Identifiers: ClinVar variation 1449970 (VCV001449970.8), dbSNP rs2098811325, ClinGen allele CA364576282.

ClinVar aggregate classification (germline): Uncertain significance (1 of 4 stars; one submission).

Conditions:
Hereditary sensory and autonomic neuropathy type 6. Also called: HSAN VI; Neuropathy, hereditary sensory and autonomic, type VI. Identifiers: Orphanet 314381, MedGen C3539003, MONDO:0013839, OMIM 614653.
Epidermolysis bullosa simplex 3, localized or generalized intermediate, with BP230 deficiency (EBS3). Also called: Epidermolysis bullosa simplex, autosomal recessive 2; Epidermolysis bullosa simplex due to BP230 deficiency. Identifiers: Orphanet 412181, MedGen C3809470, MONDO:0014180, OMIM 615425.

Allele frequency attached by ClinVar (database versions not stated): gnomAD exomes below 0.00001; TOPMed below 0.00001.
gnomAD v4.1: 3 of 1,614,084 alleles (0.00019%); highest among the groups gnomAD compares: Non-Finnish European, 0.00025%; no homozygotes.

Submission:

Labcorp Genetics (formerly Invitae), Labcorp
Classification: Uncertain significance for Epidermolysis bullosa simplex 3, localized or generalized intermediate, with BP230 deficiency; Hereditary sensory and autonomic neuropathy type 6. Last evaluated: 2021-04-13. Review status: criteria provided, single submitter. Criteria: Invitae Variant Classification Sherloc (09022015). Collection method: clinical testing. Allele origin: germline.
Comment: In summary, the available evidence is currently insufficient to determine the role of this variant in disease. Therefore, it has been classified as a Variant of Uncertain Significance. Algorithms developed to predict the effect of missense changes on protein structure and function (SIFT, PolyPhen-2, Align-GVGD) all suggest that this variant is likely to be disruptive, but these predictions have not been confirmed by published functional studies and their clinical significance is uncertain. This sequence change replaces lysine with glutamic acid at codon 561 of the DST protein (p.Lys561Glu). The lysine residue is highly conserved and there is a small physicochemical difference between lysine and glutamic acid. This variant is not present in population databases (ExAC no frequency). This variant has not been reported in the literature in individuals with DST-related conditions.